The following is an entry in ClinVar:

ClinVar aggregate classification (germline): Conflicting classifications of pathogenicity. Review status: criteria provided, conflicting classifications (1 of 4 stars). 3 submissions from 3 submitters: Likely pathogenic (1); Uncertain significance (1). 1 of the submissions does not count toward it. Last evaluated 2025-07-30.

Conditions:
Charcot-Marie-Tooth Neuropathy X. Identifiers: MedGen CN118851.
Charcot-Marie-Tooth disease. Also called: Charcot-Marie-Tooth Hereditary Neuropathy; Charcot-Marie-Tooth Neuropathy. Identifiers: Orphanet 166, MedGen C0007959, MONDO:0015626.
Charcot-Marie-Tooth disease X-linked dominant 1. Also called: Charcot-Marie-Tooth Neuropathy X Type 1; X-linked Charcot-Marie-Tooth disease type 1; GJB1 Disorders: Charcot-Marie-Tooth Neuropathy (CMT1X) and Central Nervous System Phenotypes; CHARCOT-MARIE-TOOTH NEUROPATHY, X-LINKED, 1; CHARCOT-MARIE-TOOTH PERONEAL MUSCULAR ATROPHY, X-LINKED; HEREDITARY MOTOR AND SENSORY NEUROPATHY, X-LINKED. Identifiers: Orphanet 101075, MedGen C0393808, MONDO:0010549, OMIM 302800.

Submissions (3):

Labcorp Genetics (formerly Invitae), Labcorp
Classification: Uncertain significance for Charcot-Marie-Tooth Neuropathy X. Last evaluated: 2025-07-30. Review status: criteria provided, single submitter. Criteria: Invitae Variant Classification Sherloc (09022015). Collection method: clinical testing. Allele origin: germline.
Comment: This sequence change replaces leucine, which is neutral and non-polar, with proline, which is neutral and non-polar, at codon 36 of the GJB1 protein (p.Leu36Pro). This variant is not present in population databases (gnomAD no frequency). This missense change has been observed in individual(s) with Charcot-Marie-Tooth disease (PMID: 18379723). ClinVar contains an entry for this variant (Variation ID: 637627). Invitae Evidence Modeling of protein sequence and biophysical properties (such as structural, functional, and spatial information, amino acid conservation, physicochemical variation, residue mobility, and thermodynamic stability) indicates that this missense variant is expected to disrupt GJB1 protein function with a positive predictive value of 95%. In summary, the available evidence is currently insufficient to determine the role of this variant in disease. Therefore, it has been classified as a Variant of Uncertain Significance.

Kariminejad - Najmabadi Pathology & Genetics Center
Classification: Likely pathogenic for Charcot-Marie-Tooth disease X-linked dominant 1. Last evaluated: 2024-05-08. Review status: criteria provided, single submitter. Criteria: ACMG Guidelines, 2015. Collection method: clinical testing. Allele origin: germline. Inheritance: X-linked inheritance. Affected: yes.
Comment: (PM1_Moderate,PM2_Moderate,PP2_Supporting,PP3_Moderate)

Inherited Neuropathy Consortium
Classification: Uncertain significance for Charcot-Marie-Tooth disease. Review status: no assertion criteria provided. Collection method: literature only. Allele origin: germline. Affected: yes. Not counted in ClinVar's aggregate classification.

Literature cited by the submitters: PubMed 18379723 (cited by Labcorp Genetics (formerly Invitae), Labcorp and Inherited Neuropathy Consortium).

NM_000166.6(GJB1):c.107T>C (p.Leu36Pro)

Gene: GJB1 (gap junction protein beta 1; plus strand). Cytogenetic location: Xq13.1.
Variant type: single nucleotide variant.
Coding change: c.107T>C on transcript NM_000166.6 (MANE Select); coding-DNA position 107, T replaced by C.
Protein change: p.Leu36Pro; replaces leucine 36 with proline.
Molecular consequence: missense variant.
Genome position (GRCh38, 1-based): chrX:71,223,814, T>C. VCF-style: chrX-71223814-T-C. GRCh37 (hg19) VCF-style: chrX-70443664-T-C.
Other names: c.107T>C, p.Leu36Pro (NM_001097642.3); short protein forms L36P.
Identifiers: ClinVar variation 637627 (VCV000637627.3), dbSNP rs1602348737, ClinGen allele CA413500951.
Genomic context (GRCh38, chrX:71,223,814, plus strand): 5'-ATTCTACTGCCATTGGCCGAGTATGGCTCTCGGTCATCTTCATCTTCAGAATCATGGTGC[T>C]GGTGGTGGCTGCAGAGAGTGTGTGGGGTGATGAGAAATCTTCCTTCATCTGCAACACACT-3'
Protein context (NP_000157.1, residues 26-46): SVIFIFRIMV[Leu36Pro]VVAAESVWGD